The following is an entry in ClinVar:

ClinVar aggregate classification (germline): Likely benign (1 of 4 stars; one submission).

Allele frequency attached by ClinVar (database versions not stated): ExAC 0.00047; gnomAD 0.00098; 1000 Genomes Project 0.00260; gnomAD exomes 0.00434; ESP Exome Variant Server 0.00711.
gnomAD v4.1: 2,808 of 1,564,330 alleles (0.18%); highest among the groups gnomAD compares: Middle Eastern, 0.45%; 23 homozygotes.

Submission:

CeGaT Center for Human Genetics Tuebingen
Classification: Likely benign. Last evaluated: 2026-08-01. Review status: criteria provided, single submitter. Criteria: CeGaT Center For Human Genetics Tuebingen Variant Classification Criteria Version 2. Collection method: clinical testing. Allele origin: germline. Affected: yes. Observed: 26 variant alleles.
Comment: MACF1: BS2; KIAA0754: PP2, BP4, BS2

NM_001394062.1(MACF1):c.15817-8706G>C

Genes: KIAA0754 (KIAA0754; plus strand), MACF1 (microtubule actin crosslinking factor 1; plus strand). Cytogenetic location: 1p34.3.
Variant type: single nucleotide variant.
Coding change: c.15817-8706G>C on transcript NM_001394062.1 (MANE Select); 8706 bases into the intron before coding-DNA position 15817, G replaced by C.
Molecular consequence: intron variant. On other transcripts: missense variant (1).
Genome position (GRCh38, 1-based): chr1:39,413,668, G>C. VCF-style: chr1-39413668-G-C. GRCh37 (hg19) VCF-style: chr1-39879340-G-C.
Other names: c.3403G>C, p.Ala1135Pro (NM_001397473.1); c.9631-8706G>C (NM_012090.5); short protein forms A1135P.
Identifiers: ClinVar variation 2638707 (VCV002638707.24), dbSNP rs141110458, ClinGen allele CA783010.